The following is an entry in ClinVar:

NM_003896.4(ST3GAL5):c.147G>A (p.Trp49Ter)

Gene: ST3GAL5 (ST3 beta-galactoside alpha-2,3-sialyltransferase 5; minus strand). Cytogenetic location: 2p11.2.
Variant type: single nucleotide variant.
Coding change: c.147G>A on transcript NM_003896.4 (MANE Select); coding-DNA position 147, G replaced by A.
Protein change: p.Trp49Ter; replaces tryptophan 49 with a stop codon.
Molecular consequence: nonsense. On other transcripts: 5 prime UTR variant (5).
Genome position (GRCh38, 1-based): chr2:85,863,421, C>T on the plus strand (G>A on the coding strand, the complement: ST3GAL5 is on the minus strand). VCF-style: chr2-85863421-C-T. GRCh37 (hg19) VCF-style: chr2-86090544-C-T.
Other names: c.78G>A, p.Trp26Ter (NM_001042437.2); c.-415G>A (NM_001354223.2, NM_001354226.2); c.-478G>A (NM_001354224.2); c.63G>A, p.Trp21Ter (NM_001354227.2, NM_001354229.2, NM_001354238.1); c.-855G>A (NM_001354233.2); c.-819G>A (NM_001354234.1); c.147G>A, p.Trp49Ter (NM_001363847.1); short protein forms W49*, W21*, W26*.
Identifiers: ClinVar variation 572904 (VCV000572904.10), dbSNP rs778265926, ClinGen allele CA1745152.
Genomic context (GRCh38, chr2:85,863,421, plus strand): 5'-CTTGAGGATGTCTTTTAATAACAAGCTGGGCCTTCTCATCTTGCTTTGAGCTCGGGTGTA[C>T]CATTGCAGGGAAGGCCTCGAGCAATCACTTCTCAGTTTCACATAGGTGTACTCACTTGGC-3'

ClinVar aggregate classification (germline): Pathogenic/Likely pathogenic. Review status: criteria provided, multiple submitters, no conflicts (2 of 4 stars). 3 submissions from 3 submitters: Pathogenic (1); Likely pathogenic (2). Last evaluated 2024-04-05.

Conditions:
GM3 synthase deficiency (SPDRS). Also called: SALT AND PEPPER MENTAL RETARDATION SYNDROME; AMISH INFANTILE EPILEPSY SYNDROME; SALT AND PEPPER DEVELOPMENTAL REGRESSION SYNDROME. Identifiers: Orphanet 171714, Orphanet 370933, MedGen C1836824, MONDO:0018274, OMIM 609056.

Allele frequency attached by ClinVar (database versions not stated): gnomAD exomes below 0.00001; TOPMed below 0.00001; ExAC 0.00001; gnomAD 0.00001.
gnomAD v4.1: 5 of 1,614,036 alleles (0.00031%); highest among the groups gnomAD compares: Non-Finnish European, 0.00042%; no homozygotes.

Submissions (3):

Fulgent Genetics
Classification: Likely pathogenic for GM3 synthase deficiency. Last evaluated: 2024-04-05. Review status: criteria provided, single submitter. Criteria: ACMG Guidelines, 2015. Collection method: clinical testing. Allele origin: germline.

Labcorp Genetics (formerly Invitae), Labcorp
Classification: Pathogenic for GM3 synthase deficiency. Last evaluated: 2024-02-11. Review status: criteria provided, single submitter. Criteria: Invitae Variant Classification Sherloc (09022015). Collection method: clinical testing. Allele origin: germline.
Comment: This sequence change creates a premature translational stop signal (p.Trp49*) in the ST3GAL5 gene. It is expected to result in an absent or disrupted protein product. Loss-of-function variants in ST3GAL5 are known to be pathogenic (PMID: 15502825, 22990144, 27232954). This variant is present in population databases (rs778265926, gnomAD 0.0009%). This variant has not been reported in the literature in individuals affected with ST3GAL5-related conditions. ClinVar contains an entry for this variant (Variation ID: 572904). For these reasons, this variant has been classified as Pathogenic.

GeneDx
Classification: Likely pathogenic. Last evaluated: 2022-05-11. Review status: criteria provided, single submitter. Criteria: GeneDx Variant Classification Process June 2021. Collection method: clinical testing. Allele origin: germline. Affected: yes.
Comment: Nonsense variant predicted to result in protein truncation or nonsense mediated decay in a gene for which loss-of-function is a known mechanism of disease; Not observed at significant frequency in large population cohorts (gnomAD); Has not been previously published as pathogenic or benign to our knowledge

Literature cited by the submitters: PubMed 15502825 (cited by Labcorp Genetics (formerly Invitae), Labcorp); PubMed 22990144 (cited by Labcorp Genetics (formerly Invitae), Labcorp); PubMed 27232954 (cited by Labcorp Genetics (formerly Invitae), Labcorp).